The following is an entry in ClinVar:

NM_002225.5(IVD):c.457-3_457-2delinsGG

Gene: IVD (isovaleryl-CoA dehydrogenase; plus strand). Cytogenetic location: 15q15.1.
Variant type: Indel.
Coding change: c.457-3_457-2delinsGG on transcript NM_002225.5 (MANE Select); 3 bases into the intron before coding-DNA position 457 through the canonical splice acceptor site of the intron before coding-DNA position 457, CA replaced by GG.
Molecular consequence: splice acceptor variant.
Genome position (GRCh38, 1-based): chr15:40,411,257-40,411,258, CA replaced by GG. VCF-style: chr15-40411257-CA-GG. GRCh37 (hg19) VCF-style: chr15-40703456-CA-GG.
Other names: c.544-3_544-2delinsGG (NM_001354600.3, NM_001354599.3); c.457-3_457-2delinsGG (NM_001354598.3, NM_001354601.3); c.409-3_409-2delinsGG (NM_001354597.3); c.367-3_367-2delinsGG (NM_001159508.3); c.466-3_466-2delinsGG (NM_002225.3).
Identifiers: ClinVar variation 188724 (VCV000188724.12), dbSNP rs786204427, ClinGen allele CA273890.
Genomic context (GRCh38, chr15:40,411,257, plus strand): 5'-CCAGTGAGCTGCTCTAGGGTACTCTGAGGTTGTAACAAGGCCTGTTGGGGGTTTTCCTTG[CA>GG]GCTGATCAGTGGTGAGTACATCGGAGCCCTGGCCATGAGTGAGCCCAATGCAGGCTCTGA-3'

ClinVar aggregate classification (germline): Pathogenic. Review status: criteria provided, multiple submitters, no conflicts (2 of 4 stars). 4 submissions from 4 submitters: Pathogenic (3). 1 of the submissions does not count toward it. Last evaluated 2025-12-24.

Conditions:
IVD-related disorder. Also called: IVD-related condition.
Isovaleryl-CoA dehydrogenase deficiency (IVA). Also called: ISOVALERIC ACID CoA DEHYDROGENASE DEFICIENCY; IVD DEFICIENCY; Isovaleric acidemia; Classic Isovaleric Acidemia. Identifiers: Orphanet 33, MedGen C0268575, MONDO:0009475, OMIM 243500.

Submissions (4):

Labcorp Genetics (formerly Invitae), Labcorp
Classification: Pathogenic for Isovaleryl-CoA dehydrogenase deficiency. Last evaluated: 2025-12-24. Review status: criteria provided, single submitter. Criteria: Invitae Variant Classification Sherloc (09022015). Collection method: clinical testing. Allele origin: germline.
Comment: This sequence change affects a splice site in intron 4 of the IVD gene. It is expected to disrupt RNA splicing. Variants that disrupt the donor or acceptor splice site typically lead to a loss of protein function (PMID: 16199547), and loss-of-function variants in IVD are known to be pathogenic (PMID: 16602101). Information on the frequency of this variant in the gnomAD database is not available, as this variant may be reported differently in the database. Disruption of this splice site has been observed in individuals with isovaleric acidemia (PMID: 17576084, 22004070; internal data). This variant is also known as c.457–3_2CA>GG. ClinVar contains an entry for this variant (Variation ID: 188724). For these reasons, this variant has been classified as Pathogenic.

Natera, Inc.
Classification: Pathogenic for Isovaleryl-coa dehydrogenase deficiency. Last evaluated: 2025-01-29. Review status: criteria provided, single submitter. Criteria: Natera Variant Classification Schema (03/2026). Collection method: clinical testing. Allele origin: germline.
Comment: The c.466-3_466-2delCAinsGG variant in IVD is a deletion-insertion (delins) variant predicted to replace one or more nucleotides with a different sequence, affecting a canonical splice acceptor site. This variant is expected to result in nonsense mediated decay, truncation, or a dysfunctional protein product. This variant is rare in the general population with a frequency below the threshold expected for the associated phenotype(s). This variant has been observed in one or more individuals affected with the associated recessive disease, as either homozygous or compound heterozygous with a second variant (PMID: 17576084). Functional studies show that this variant may disrupt protein function (PMID: 17576084). Given the available evidence, this variant is classified as Pathogenic.

Blueprint Genetics
Classification: Pathogenic for IVD-related disorders. Last evaluated: 2024-02-09. Review status: criteria provided, single submitter. Criteria: ACMG Guidelines, 2015. Collection method: clinical testing. Allele origin: germline. Affected: yes. Observed: 1 variant allele.

Counsyl
Classification: Likely pathogenic for Isovaleryl-CoA dehydrogenase deficiency. Last evaluated: 2014-03-18. Review status: no assertion criteria provided. Collection method: literature only. Allele origin: unknown. Inheritance: Autosomal recessive inheritance. Not counted in ClinVar's aggregate classification.

Literature cited by the submitters: PubMed 16199547 (cited by Labcorp Genetics (formerly Invitae), Labcorp); PubMed 16602101 (cited by Labcorp Genetics (formerly Invitae), Labcorp); PubMed 17576084 (cited by 3 submitters); PubMed 22004070 (cited by Labcorp Genetics (formerly Invitae), Labcorp and Counsyl); PubMed 10677295 (cited by Counsyl).